The following is an entry in ClinVar:

ClinVar aggregate classification (germline): Likely benign. Review status: criteria provided, multiple submitters, no conflicts (2 of 4 stars). 7 submissions from 7 submitters: Likely benign (7). Last evaluated 2025-09-15.

Conditions:
Weill-Marchesani syndrome 2, dominant. Also called: FBN1-Related Weill-Marchesani Syndrome; Weill-Marchesani Syndrome, Autosomal Dominant. Identifiers: Orphanet 2084, MedGen C1869115, MONDO:0012013, OMIM 608328.
Marfan syndrome (MFS). Also called: Marfan syndrome type 1; Marfan's syndrome; Marfan syndrome, classic; FBN1-Related Marfan Syndrome; MARFAN SYNDROME, TYPE I. Identifiers: Orphanet 284963, Orphanet 558, MedGen C0024796, MONDO:0007947, OMIM 154700.
Ectopia lentis 1, isolated, autosomal dominant (ECTOL1). Identifiers: Orphanet 1885, MedGen C3541518, MONDO:0007514, OMIM 129600.
Progeroid and marfanoid aspect-lipodystrophy syndrome. Also called: MARFANOID-PROGEROID-LIPODYSTROPHY SYNDROME; MARFANOID-PROGEROID SYNDROME; MARFAN-PROGEROID-LIPODYSTROPHY SYNDROME; Marfan lipodystrophy syndrome. Identifiers: Orphanet 300382, MedGen C4310796, MONDO:0014831, OMIM 616914.
Geleophysic dysplasia 2 (GPHYSD2). Identifiers: Orphanet 2623, MedGen C3280054, MONDO:0013612, OMIM 614185.
Stiff skin syndrome (SSKS). Identifiers: Orphanet 2833, MedGen C1861456, MONDO:0008492, OMIM 184900.
Acromicric dysplasia (ACMICD). Also called: Acromicric skeletal dysplasia. Identifiers: Orphanet 969, MedGen C0265287, MONDO:0007055, OMIM 102370.
MASS syndrome (OCTD). Also called: OVERLAP CONNECTIVE TISSUE DISEASE; MASS PHENOTYPE. Identifiers: MedGen C1858556, MONDO:0011431, OMIM 604308.
Familial thoracic aortic aneurysm and aortic dissection (TAAD). Also called: Thoracic aortic aneurysms and dissections. Identifiers: Orphanet 91387, MedGen C4707243, MONDO:0019625.

Allele frequency attached by ClinVar (database versions not stated): gnomAD 0.00001; gnomAD exomes 0.00001; TOPMed 0.00001; ESP Exome Variant Server 0.00008.
gnomAD v4.1: 18 of 1,612,930 alleles (0.0011%); highest among the groups gnomAD compares: South Asian, 0.0022%; no homozygotes.

Submissions (7):

Labcorp Genetics (formerly Invitae), Labcorp
Classification: Likely benign for Marfan syndrome; Familial thoracic aortic aneurysm and aortic dissection. Last evaluated: 2025-09-15. Review status: criteria provided, single submitter. Criteria: Invitae Variant Classification Sherloc (09022015). Collection method: clinical testing. Allele origin: germline.

Ambry Genetics
Classification: Likely benign for Familial thoracic aortic aneurysm and aortic dissection. Last evaluated: 2024-02-22. Review status: criteria provided, single submitter. Criteria: Ambry Variant Classification Scheme 2023. Collection method: clinical testing. Allele origin: germline.

All of Us Research Program, National Institutes of Health
Classification: Likely benign for Marfan syndrome. Last evaluated: 2023-11-30. Review status: criteria provided, single submitter. Criteria: ACMG Guidelines, 2015. Collection method: clinical testing. Allele origin: germline. Inheritance: Autosomal dominant inheritance. Observed: 5 variant alleles, 5 heterozygotes.
Comment: This study involves interpretation of variants in research participants for the purpose of population health screening. Participant phenotype was not available at the time of variant classification. Additional details can be found in publication PMID: 35346344, PMCID: PMC8962531

Fulgent Genetics
Classification: Likely benign for Acromicric dysplasia; Ectopia lentis 1, isolated, autosomal dominant; Marfan syndrome; Stiff skin syndrome; MASS syndrome; Weill-Marchesani syndrome 2, dominant; Geleophysic dysplasia 2; Progeroid and marfanoid aspect-lipodystrophy syndrome. Last evaluated: 2022-05-19. Review status: criteria provided, single submitter. Criteria: ACMG Guidelines, 2015. Collection method: clinical testing. Allele origin: unknown.

CeGaT Center for Human Genetics Tuebingen
Classification: Likely benign. Last evaluated: 2021-06-01. Review status: criteria provided, single submitter. Criteria: CeGaT Center For Human Genetics Tuebingen Variant Classification Criteria Version 2. Collection method: clinical testing. Allele origin: germline. Affected: yes. Observed: 1 variant allele.

Color Diagnostics, LLC DBA Color Health
Classification: Likely benign for Familial thoracic aortic aneurysm and aortic dissection. Last evaluated: 2019-06-01. Review status: criteria provided, single submitter. Criteria: ACMG Guidelines, 2015. Collection method: clinical testing. Allele origin: germline.

GeneDx
Classification: Likely benign. Last evaluated: 2018-05-02. Review status: criteria provided, single submitter. Criteria: GeneDx Variant Classification Process June 2021. Collection method: clinical testing. Allele origin: germline. Affected: yes.

NM_000138.5(FBN1):c.5283C>T (p.Thr1761=)

Gene: FBN1 (fibrillin 1; minus strand). Cytogenetic location: 15q21.1.
Variant type: single nucleotide variant.
Coding change: c.5283C>T on transcript NM_000138.5 (MANE Select); coding-DNA position 5283, C replaced by T.
Protein change: p.Thr1761=; no amino-acid change (threonine 1761 retained).
Molecular consequence: synonymous variant.
Genome position (GRCh38, 1-based): chr15:48,460,259, G>A on the plus strand (C>T on the coding strand, the complement: FBN1 is on the minus strand). VCF-style: chr15-48460259-G-A. GRCh37 (hg19) VCF-style: chr15-48752456-G-A.
Identifiers: ClinVar variation 377861 (VCV000377861.51), dbSNP rs373887214, ClinGen allele CA054583.